The following is an entry in ClinVar:

NM_080680.3(COL11A2):c.3961-7C>A

Gene: COL11A2 (collagen type XI alpha 2 chain; minus strand). Cytogenetic location: 6p21.32.
Variant type: single nucleotide variant.
Coding change: c.3961-7C>A on transcript NM_080680.3 (MANE Select); 7 bases into the intron before coding-DNA position 3961, C replaced by A.
Molecular consequence: intron variant.
Genome position (GRCh38, 1-based): chr6:33,167,859, G>T on the plus strand (C>A on the coding strand, the complement: COL11A2 is on the minus strand). VCF-style: chr6-33167859-G-T. GRCh37 (hg19) VCF-style: chr6-33135636-G-T.
Other names: c.3640-7C>A (NM_080679.3); c.3703-7C>A (NM_080681.3).
Identifiers: ClinVar variation 1683994 (VCV001683994.7), dbSNP rs1361986900, ClinGen allele CA2573140222.

ClinVar aggregate classification (germline): Conflicting classifications of pathogenicity. Review status: criteria provided, conflicting classifications (1 of 4 stars). 2 submissions from 2 submitters: Uncertain significance (1); Likely benign (1). Last evaluated 2025-10-23.

Submissions (2):

Labcorp Genetics (formerly Invitae), Labcorp
Classification: Likely benign. Last evaluated: 2025-10-23. Review status: criteria provided, single submitter. Criteria: Invitae Variant Classification Sherloc (09022015). Collection method: clinical testing. Allele origin: germline.

GeneDx
Classification: Uncertain significance. Last evaluated: 2021-11-08. Review status: criteria provided, single submitter. Criteria: GeneDx Variant Classification Process June 2021. Collection method: clinical testing. Allele origin: germline. Affected: yes.
Comment: Not observed at significant frequency in large population cohorts (gnomAD); In-silico analysis is inconclusive as to whether the variant alters gene splicing. In the absence of RNA/functional studies, the actual effect of this sequence change is unknown.; Has not been previously published as pathogenic or benign to our knowledge